The following is an entry in ClinVar:

NM_006904.7(PRKDC):c.357A>C (p.Arg119Ser)

Gene: PRKDC (protein kinase, DNA-activated, catalytic subunit; minus strand). Cytogenetic location: 8q11.21.
Variant type: single nucleotide variant.
Coding change: c.357A>C on transcript NM_006904.7 (MANE Select); coding-DNA position 357, A replaced by C.
Protein change: p.Arg119Ser; replaces arginine 119 with serine.
Molecular consequence: missense variant.
Genome position (GRCh38, 1-based): chr8:47,955,916, T>G on the plus strand (A>C on the coding strand, the complement: PRKDC is on the minus strand). VCF-style: chr8-47955916-T-G. GRCh37 (hg19) VCF-style: chr8-48868476-T-G.
Other names: c.357A>C, p.Arg119Ser (NM_001081640.2); short protein forms R119S.
Identifiers: ClinVar variation 1732856 (VCV001732856.2), dbSNP rs2551882139, ClinGen allele CA371140407.

ClinVar aggregate classification (germline): Uncertain significance (1 of 4 stars; one submission).

Allele frequency attached by ClinVar (database versions not stated): gnomAD exomes below 0.00001.
gnomAD v4.1: 1 of 1,606,276 alleles (0.000062%); highest among the groups gnomAD compares: Non-Finnish European, 0.000085%; no homozygotes.

Submission:

Ambry Genetics
Classification: Uncertain significance. Last evaluated: 2022-04-21. Review status: criteria provided, single submitter. Criteria: Ambry Variant Classification Scheme 2023. Collection method: clinical testing. Allele origin: germline.
Comment: The p.R119S variant (also known as c.357A>C), located in coding exon 4 of the PRKDC gene, results from an A to C substitution at nucleotide position 357. The arginine at codon 119 is replaced by serine, an amino acid with dissimilar properties. This amino acid position is conserved. In addition, this alteration is predicted to be tolerated by in silico analysis. Since supporting evidence is limited at this time, the clinical significance of this alteration remains unclear.